The following is an entry in ClinVar:

NM_000138.5(FBN1):c.8386G>A (p.Glu2796Lys)

Gene: FBN1 (fibrillin 1; minus strand). Cytogenetic location: 15q21.1.
Variant type: single nucleotide variant.
Coding change: c.8386G>A on transcript NM_000138.5 (MANE Select); coding-DNA position 8386, G replaced by A.
Protein change: p.Glu2796Lys; replaces glutamic acid 2796 with lysine.
Molecular consequence: missense variant.
Genome position (GRCh38, 1-based): chr15:48,411,220, C>T on the plus strand (G>A on the coding strand, the complement: FBN1 is on the minus strand). VCF-style: chr15-48411220-C-T. GRCh37 (hg19) VCF-style: chr15-48703417-C-T.
Other names: p.Glu2796Lys; short protein forms E2796K.
Identifiers: ClinVar variation 571314 (VCV000571314.50), dbSNP rs112310699, ClinGen allele CA059994.

ClinVar aggregate classification (germline): Conflicting classifications of pathogenicity. Review status: criteria provided, conflicting classifications (1 of 4 stars). 16 submissions from 10 submitters: Uncertain significance (12); Likely benign (4). Last evaluated 2025-09-22.

Conditions:
Familial thoracic aortic aneurysm and aortic dissection (TAAD). Also called: Thoracic aortic aneurysms and dissections. Identifiers: Orphanet 91387, MedGen C4707243, MONDO:0019625.
Stiff skin syndrome (SSKS). Identifiers: Orphanet 2833, MedGen C1861456, MONDO:0008492, OMIM 184900.
Weill-Marchesani syndrome. Also called: WM Syndrome; Mesodermal dysmorphodystrophy congenital. Identifiers: Orphanet 3449, MedGen C0265313, MONDO:0018096.
Marfan syndrome (MFS). Also called: FBN1-Related Marfan Syndrome; Marfan syndrome type 1; Marfan's syndrome; Marfan syndrome, classic; MARFAN SYNDROME, TYPE I. Identifiers: Orphanet 284963, Orphanet 558, MedGen C0024796, MONDO:0007947, OMIM 154700.
Acromicric dysplasia (ACMICD). Also called: Acromicric skeletal dysplasia. Identifiers: Orphanet 969, MedGen C0265287, MONDO:0007055, OMIM 102370.
Ectopia lentis 1, isolated, autosomal dominant (ECTOL1). Identifiers: Orphanet 1885, MedGen C3541518, MONDO:0007514, OMIM 129600.
FBN1-related disorder. Also called: FBN1-related disorders.

Allele frequency attached by ClinVar (database versions not stated): TOPMed 0.00001; gnomAD exomes 0.00002 and 0.00001; ExAC 0.00002; gnomAD 0.00002.
gnomAD v4.1: 26 of 1,614,110 alleles (0.0016%); highest among the groups gnomAD compares: East Asian, 0.011%; no homozygotes.

Submissions (16):

Color Diagnostics, LLC DBA Color Health
Classification: Likely benign for Familial thoracic aortic aneurysm and aortic dissection. Last evaluated: 2025-09-22. Review status: criteria provided, single submitter. Criteria: ACMG Guidelines, 2015. Collection method: clinical testing. Allele origin: germline.

Labcorp Genetics (formerly Invitae), Labcorp
Classification: Likely benign for Marfan syndrome; Familial thoracic aortic aneurysm and aortic dissection. Last evaluated: 2025-07-31. Review status: criteria provided, single submitter. Criteria: Invitae Variant Classification Sherloc (09022015). Collection method: clinical testing. Allele origin: germline.

Ambry Genetics
Classification: Likely benign for Familial thoracic aortic aneurysm and aortic dissection. Last evaluated: 2025-07-08. Review status: criteria provided, single submitter. Criteria: Ambry Variant Classification Scheme 2023. Collection method: clinical testing. Allele origin: germline.

GeneDx
Classification: Uncertain significance. Last evaluated: 2025-06-24. Review status: criteria provided, single submitter. Criteria: GeneDx Variant Classification Process June 2021. Collection method: clinical testing. Allele origin: germline. Affected: yes.
Comment: Identified in pediatric patient with Marfan syndrome (MFS) who also harbored a likely pathogenic variant in FBN1 (PMID: 35058154); Not observed at significant frequency in large population cohorts (gnomAD); In silico analysis suggests that this missense variant does not alter protein structure/function; Does not affect a cysteine or calcium-binding residue within an EGF-like domain or a TGF-binding protein domain of the FBN1 gene; cysteine substitutions in the EGF-like domains represent the majority of pathogenic missense changes associated with FBN1-related disorders (PMID: 12938084); This variant is associated with the following publications: (PMID: 12938084, 35058154)

PreventionGenetics, part of Exact Sciences
Classification: Uncertain significance for FBN1-related condition. Last evaluated: 2025-01-07. Review status: criteria provided, single submitter. Criteria: ACMG Guidelines, 2015. Collection method: clinical testing. Allele origin: germline.
Comment: The FBN1 c.8386G>A variant is predicted to result in the amino acid substitution p.Glu2796Lys. This variant has been reported in an individual with Marfan syndrome, who also carried a rare FBN1 c.6740A>G, p.Asp2247Gly variant (Meester et al. 2022. PubMed ID: 35058154). This variant is reported in 0.022% of alleles in individuals of East Asian descent in gnomAD. Although we suspect that this variant may be benign, at this time, the clinical significance of this variant is uncertain due to the absence of conclusive functional and genetic evidence.

Centre of Medical Genetics, University of Antwerp
Classification: Uncertain significance for Familial thoracic aortic aneurysm and aortic dissection. Last evaluated: 2024-09-06. Review status: criteria provided, single submitter. Criteria: ACMG Guidelines, 2015. Collection method: clinical testing. Allele origin: germline. Affected: yes.

Mayo Clinic Laboratories, Mayo Clinic
Classification: Uncertain significance. Last evaluated: 2024-06-17. Review status: criteria provided, single submitter. Criteria: ACMG Guidelines, 2015. Collection method: clinical testing. Allele origin: germline. Observed: 1 variant allele.
Comment: BS1

All of Us Research Program, National Institutes of Health
Classification: Uncertain significance for Marfan syndrome. Last evaluated: 2024-02-05. Review status: criteria provided, single submitter. Criteria: ACMG Guidelines, 2015. Collection method: clinical testing. Allele origin: germline. Inheritance: Autosomal dominant inheritance. Observed: 2 variant alleles, 2 heterozygotes.
Comment: This missense variant replaces glutamic acid with lysine at codon 2796 of the FBN1 protein. Computational prediction suggests that this variant may not impact protein structure and function (internally defined REVEL score threshold <= 0.5, PMID: 27666373). To our knowledge, functional studies have not been reported for this variant. This variant has not been reported in individuals affected with cardiovascular disorders in the literature. This variant has been identified in 4/251446 chromosomes in the general population by the Genome Aggregation Database (gnomAD). The available evidence is insufficient to determine the role of this variant in disease conclusively. Therefore, this variant is classified as a Variant of Uncertain Significance.

This study involves interpretation of variants in research participants for the purpose of population health screening. Participant phenotype was not available at the time of variant classification. Additional details can be found in publication PMID: 35346344, PMCID: PMC8962531

Blueprint Genetics
Classification: Likely benign. Last evaluated: 2023-02-10. Review status: criteria provided, single submitter. Criteria: ACMG Guidelines, 2015. Collection method: clinical testing. Allele origin: germline.

Centre of Medical Genetics, University of Antwerp
Classification: Uncertain significance for Marfan syndrome. Last evaluated: 2021-03-01. Review status: criteria provided, single submitter. Criteria: Submitter's publication. Collection method: research. Allele origin: unknown. Affected: yes.
Comment: PM2, PP4

Illumina Laboratory Services, Illumina
Classification: Uncertain significance for Familial thoracic aortic aneurysm and aortic dissection. Last evaluated: 2018-01-13. Review status: criteria provided, single submitter. Criteria: ICSL Variant Classification Criteria 13 December 2019. Collection method: clinical testing. Allele origin: germline.

Illumina Laboratory Services, Illumina
Classification: Uncertain significance for Stiff skin syndrome. Last evaluated: 2018-01-13. Review status: criteria provided, single submitter. Criteria: ICSL Variant Classification Criteria 13 December 2019. Collection method: clinical testing. Allele origin: germline.

Illumina Laboratory Services, Illumina
Classification: Uncertain significance for Acromicric dysplasia. Last evaluated: 2018-01-13. Review status: criteria provided, single submitter. Criteria: ICSL Variant Classification Criteria 13 December 2019. Collection method: clinical testing. Allele origin: germline.

Illumina Laboratory Services, Illumina
Classification: Uncertain significance for Ectopia lentis 1, isolated, autosomal dominant. Last evaluated: 2018-01-13. Review status: criteria provided, single submitter. Criteria: ICSL Variant Classification Criteria 13 December 2019. Collection method: clinical testing. Allele origin: germline.

Illumina Laboratory Services, Illumina
Classification: Uncertain significance for Marfan syndrome. Last evaluated: 2018-01-13. Review status: criteria provided, single submitter. Criteria: ICSL Variant Classification Criteria 13 December 2019. Collection method: clinical testing. Allele origin: germline.

Illumina Laboratory Services, Illumina
Classification: Uncertain significance for Weill-Marchesani syndrome. Last evaluated: 2018-01-13. Review status: criteria provided, single submitter. Criteria: ICSL Variant Classification Criteria 13 December 2019. Collection method: clinical testing. Allele origin: germline.

Literature cited by the submitters: PubMed 35058154 (cited by Mayo Clinic Laboratories, Mayo Clinic).